The following is an entry in ClinVar:

ClinVar aggregate classification (germline): Likely benign (0 of 4 stars; one submission).

Conditions:
CSMD3-related disorder. Also called: CSMD3-related condition.

Allele frequency attached by ClinVar (database versions not stated): TOPMed 0.00003; gnomAD 0.00007; ExAC 0.00017; 1000 Genomes Project 30x 0.00094; 1000 Genomes Project 0.00100.
gnomAD v4.1: 64 of 1,612,860 alleles (0.004%); highest among the groups gnomAD compares: East Asian, 0.083%; no homozygotes.

Submission:

PreventionGenetics, part of Exact Sciences
Classification: Likely benign for CSMD3-related condition. Last evaluated: 2019-08-12. Review status: no assertion criteria provided. Collection method: clinical testing. Allele origin: germline.
Comment: This variant is classified as likely benign based on ACMG/AMP sequence variant interpretation guidelines (Richards et al. 2015 PMID: 25741868, with internal and published modifications).

NM_198123.2(CSMD3):c.8313T>C (p.Ile2771=)

Gene: CSMD3 (CUB and Sushi multiple domains 3; minus strand). Cytogenetic location: 8q23.3.
Variant type: single nucleotide variant.
Coding change: c.8313T>C on transcript NM_198123.2 (MANE Select); coding-DNA position 8313, T replaced by C.
Protein change: p.Ile2771=; no amino-acid change (isoleucine 2771 retained).
Molecular consequence: synonymous variant.
Genome position (GRCh38, 1-based): chr8:112,301,920, A>G on the plus strand (T>C on the coding strand, the complement: CSMD3 is on the minus strand). VCF-style: chr8-112301920-A-G. GRCh37 (hg19) VCF-style: chr8-113314149-A-G.
Other names: c.7713T>C, p.Ile2571= (NM_001363185.1); c.7806T>C, p.Ile2602= (NM_052900.3); c.8193T>C, p.Ile2731= (NM_198124.2).
Identifiers: ClinVar variation 3049823 (VCV003049823.2), dbSNP rs150085079, ClinGen allele CA4849005.